The following is an entry in ClinVar:

NM_001256317.3(TMPRSS3):c.1048G>A (p.Gly350Ser)

Gene: TMPRSS3 (transmembrane serine protease 3; minus strand). Cytogenetic location: 21q22.3.
Variant type: single nucleotide variant.
Coding change: c.1048G>A on transcript NM_001256317.3 (MANE Select); coding-DNA position 1048, G replaced by A.
Protein change: p.Gly350Ser; replaces glycine 350 with serine.
Molecular consequence: missense variant.
Genome position (GRCh38, 1-based): chr21:42,380,117, C>T on the plus strand (G>A on the coding strand, the complement: TMPRSS3 is on the minus strand). VCF-style: chr21-42380117-C-T. GRCh37 (hg19) VCF-style: chr21-43800226-C-T.
Other names: c.1048G>A, p.Ala350Thr (NM_024022.4); c.667G>A, p.Ala223Thr (NM_032404.3); short protein forms A223T, A350T, G350S.
Identifiers: ClinVar variation 4532750 (VCV004532750.1).

ClinVar aggregate classification (germline): Uncertain significance (1 of 4 stars; one submission).

gnomAD v4.1: 6 of 1,613,450 alleles (0.00037%); highest among the groups gnomAD compares: African/African-American, 0.008%; no homozygotes.

Submission:

GeneDx
Classification: Uncertain significance. Last evaluated: 2025-05-30. Review status: criteria provided, single submitter. Criteria: GeneDx Variant Classification Process June 2021. Collection method: clinical testing. Allele origin: germline. Affected: yes.
Comment: Alters the last nucleotide of the exon and is predicted to damage the splice donor site but the effect on protein function is unclear; Has not been previously published as pathogenic or benign to our knowledge